The following is an entry in ClinVar:

NM_006852.6(TLK2):c.968A>G (p.Lys323Arg)

Genes: TLK2 (tousled like kinase 2; plus strand), LOC126862611 (CDK7 strongly-dependent group 2 enhancer GRCh37_chr17:60642433-60643632; plus strand). Cytogenetic location: 17q23.2.
Variant type: single nucleotide variant.
Coding change: c.968A>G on transcript NM_006852.6 (MANE Select); coding-DNA position 968, A replaced by G.
Protein change: p.Lys323Arg; replaces lysine 323 with arginine.
Molecular consequence: missense variant.
Genome position (GRCh38, 1-based): chr17:62,565,137, A>G. VCF-style: chr17-62565137-A-G. GRCh37 (hg19) VCF-style: chr17-60642498-A-G.
Other names: c.968A>G, p.Lys323Arg (NM_001284333.3, NM_001375270.1, NM_001375271.1); c.872A>G, p.Lys291Arg (NM_001284363.1, NM_001375272.1, NM_001438203.1 and 1 more transcripts); c.521A>G, p.Lys174Arg (NM_001330418.3, NM_001375273.1); c.1010A>G, p.Lys337Arg (NM_001375269.1); c.683A>G, p.Lys228Arg (NM_001411074.1); c.779A>G, p.Lys260Arg (NM_001438205.1); short protein forms K174R, K228R, K260R, K291R, K323R, K337R.
Identifiers: ClinVar variation 4851375 (VCV004851375.1).

ClinVar aggregate classification (germline): Likely benign (1 of 4 stars; one submission).

Conditions:
Intellectual developmental disorder, autosomal dominant 57. Also called: MENTAL RETARDATION, AUTOSOMAL DOMINANT 57; Intellectual disability, autosomal dominant 57. Identifiers: MedGen C4748003, MONDO:0054837, OMIM 618050.

Submission:

Centre for Medical Genetics,  Mumbai
Classification: Likely benign for Intellectual developmental disorder, autosomal dominant 57. Last evaluated: 2026-04-13. Review status: criteria provided, single submitter. Criteria: ACMG Guidelines, 2015. Collection method: provider interpretation. Allele origin: germline. Inheritance: Autosomal dominant inheritance. Affected: no. Observed: 1 variant allele, 1 heterozygote.
Comment: The variant satisfies PM2 criteria - extremely low frequency in gnomAD population databases. The variant satisfies PP2 criteria - missense variant in a gene with low rate of benign missense mutations and for which missense mutation is a common mechanism of a disease. However, the variant satisfies BS2 criteria - present in heterozygous state in an individual that clinically does not have intellectual developmental disorder.

Literature cited by the submitters: PubMed 27479843.